The following is an entry in ClinVar:

ClinVar aggregate classification (germline): Likely pathogenic (1 of 4 stars; one submission).

Conditions:
Autosomal recessive limb-girdle muscular dystrophy type 2J (LGMDR10). Also called: Limb-girdle muscular dystrophy, type 2J; MUSCULAR DYSTROPHY, LIMB-GIRDLE, AUTOSOMAL RECESSIVE 10. Identifiers: Orphanet 140922, MedGen C1837342, MONDO:0012127, OMIM 608807.
Dilated cardiomyopathy 1G (CMD1G). Identifiers: Orphanet 154, MedGen C1858763, MONDO:0011400, OMIM 604145.

Submission:

Labcorp Genetics (formerly Invitae), Labcorp
Classification: Likely pathogenic for Dilated cardiomyopathy 1G; Autosomal recessive limb-girdle muscular dystrophy type 2J. Last evaluated: 2024-02-20. Review status: criteria provided, single submitter. Criteria: Invitae Variant Classification Sherloc (09022015). Collection method: clinical testing. Allele origin: germline.
Comment: This sequence change creates a premature translational stop signal (p.Gln466*) in the TTN gene. While this is not anticipated to result in nonsense mediated decay, it is expected to create a truncated TTN protein. This variant is not present in population databases (gnomAD no frequency). This variant has not been reported in the literature in individuals affected with TTN-related conditions. This variant is located in the Z band of TTN (PMID: 25589632). Truncating variants in this region have been reported in individuals affected with autosomal recessive centronuclear myopathy (PMID: 33449170, Invitae internal data). Truncating variants in this region have also been identified in individuals affected with autosomal dominant dilated cardiomyopathy and/or cardio-related conditions (PMID: 27869827, 32964742, Invitae internal data). In summary, the currently available evidence indicates that the variant is pathogenic, but additional data are needed to prove that conclusively. Therefore, this variant has been classified as Likely Pathogenic.

Literature cited by the submitters: PubMed 25589632; PubMed 33449170; PubMed 27869827; PubMed 32964742.

NM_001267550.2(TTN):c.1396C>T (p.Gln466Ter)

Gene: TTN (titin; minus strand). Cytogenetic location: 2q31.2.
Variant type: single nucleotide variant.
Coding change: c.1396C>T on transcript NM_001267550.2 (MANE Select); coding-DNA position 1396, C replaced by T.
Protein change: p.Gln466Ter; replaces glutamine 466 with a stop codon.
Molecular consequence: nonsense.
Genome position (GRCh38, 1-based): chr2:178,794,401, G>A on the plus strand (C>T on the coding strand, the complement: TTN is on the minus strand). VCF-style: chr2-178794401-G-A. GRCh37 (hg19) VCF-style: chr2-179659128-G-A.
Other names: c.1396C>T, p.Gln466Ter (NM_001256850.1, NM_003319.4, NM_133378.4 and 3 more transcripts); short protein forms Q466*.
Identifiers: ClinVar variation 3752569 (VCV003752569.2).